The following is an entry in ClinVar:

NM_000388.4(CASR):c.1798G>A (p.Ala600Thr)

Gene: CASR (calcium sensing receptor; plus strand). Cytogenetic location: 3q21.1.
Variant type: single nucleotide variant.
Coding change: c.1798G>A on transcript NM_000388.4 (MANE Select); coding-DNA position 1798, G replaced by A.
Protein change: p.Ala600Thr; replaces alanine 600 with threonine.
Molecular consequence: missense variant.
Genome position (GRCh38, 1-based): chr3:122,283,752, G>A. VCF-style: chr3-122283752-G-A. GRCh37 (hg19) VCF-style: chr3-122002599-G-A.
Other names: c.1828G>A, p.Ala610Thr (NM_001178065.2); short protein forms A600T, A610T.
Identifiers: ClinVar variation 2451456 (VCV002451456.2), dbSNP rs2473276288, ClinGen allele CA354157394.

ClinVar aggregate classification (germline): Uncertain significance (1 of 4 stars; one submission).

Conditions:
Nephrolithiasis/nephrocalcinosis. Identifiers: MedGen CN580796.

Submission:

Ambry Genetics
Classification: Uncertain significance for Nephrolithiasis/nephrocalcinosis. Last evaluated: 2022-12-19. Review status: criteria provided, single submitter. Criteria: Ambry Variant Classification Scheme 2023. Collection method: clinical testing. Allele origin: germline.
Comment: The p.A600T variant (also known as c.1798G>A), located in coding exon 6 of the CASR gene, results from a G to A substitution at nucleotide position 1798. The alanine at codon 600 is replaced by threonine, an amino acid with similar properties. This amino acid position is conserved. In addition, the in silico prediction for this alteration is inconclusive. Since supporting evidence is limited at this time, the clinical significance of this alteration remains unclear.